The following is an entry in ClinVar:

NM_024422.6(DSC2):c.146T>C (p.Val49Ala)

Gene: DSC2 (desmocollin 2; minus strand). Cytogenetic location: 18q12.1.
Variant type: single nucleotide variant.
Coding change: c.146T>C on transcript NM_024422.6 (MANE Select); coding-DNA position 146, T replaced by C.
Protein change: p.Val49Ala; replaces valine 49 with alanine.
Molecular consequence: missense variant.
Genome position (GRCh38, 1-based): chr18:31,093,567, A>G on the plus strand (T>C on the coding strand, the complement: DSC2 is on the minus strand). VCF-style: chr18-31093567-A-G. GRCh37 (hg19) VCF-style: chr18-28673530-A-G.
Other names: c.146T>C, p.Val49Ala (NM_004949.5); short protein forms V49A.
Identifiers: ClinVar variation 928379 (VCV000928379.7), dbSNP rs1275514075, ClinGen allele CA402115022.

ClinVar aggregate classification (germline): Uncertain significance. Review status: criteria provided, multiple submitters, no conflicts (2 of 4 stars). 3 submissions from 3 submitters: Uncertain significance (3). Last evaluated 2025-03-14.

Conditions:
Cardiomyopathy (CMYO). Also called: Cardiomyopathies. Identifiers: Orphanet 167848, MedGen C0878544, MONDO:0004994, HP:0001638. Inheritance: Various modes of inheritance.
Familial isolated arrhythmogenic right ventricular dysplasia. Identifiers: Orphanet 217656, MedGen C4274968, MONDO:0016342.
Arrhythmogenic right ventricular dysplasia 11. Also called: Arrhythmogenic Right Ventricular Dysplasia/Cardiomyopathy11; ARRHYTHMOGENIC RIGHT VENTRICULAR DYSPLASIA, FAMILIAL, 11; Arrhythmogenic right ventricular dysplasia 11 with mild palmoplantar keratoderma and woolly hair. Identifiers: MedGen C1864850, MONDO:0012506, OMIM 610476.

Allele frequency attached by ClinVar (database versions not stated): gnomAD exomes 0.00001.

Submissions (3):

Labcorp Genetics (formerly Invitae), Labcorp
Classification: Uncertain significance for Arrhythmogenic right ventricular dysplasia 11. Last evaluated: 2025-03-14. Review status: criteria provided, single submitter. Criteria: Invitae Variant Classification Sherloc (09022015). Collection method: clinical testing. Allele origin: germline.
Comment: This sequence change replaces valine, which is neutral and non-polar, with alanine, which is neutral and non-polar, at codon 49 of the DSC2 protein (p.Val49Ala). This variant is present in population databases (no rsID available, gnomAD 0.006%). This variant has not been reported in the literature in individuals affected with DSC2-related conditions. ClinVar contains an entry for this variant (Variation ID: 928379). Invitae Evidence Modeling of protein sequence and biophysical properties (such as structural, functional, and spatial information, amino acid conservation, physicochemical variation, residue mobility, and thermodynamic stability) has been performed for this missense variant. However, the output from this modeling did not meet the statistical confidence thresholds required to predict the impact of this variant on DSC2 protein function. In summary, the available evidence is currently insufficient to determine the role of this variant in disease. Therefore, it has been classified as a Variant of Uncertain Significance.

Color Diagnostics, LLC DBA Color Health
Classification: Uncertain significance for Cardiomyopathy. Last evaluated: 2024-03-06. Review status: criteria provided, single submitter. Criteria: ACMG Guidelines, 2015. Collection method: clinical testing. Allele origin: germline.
Comment: This missense variant replaces valine with alanine at codon 49 of the DSC2 protein. Computational prediction suggests that this variant may not impact protein structure and function (internally defined REVEL score threshold <= 0.5, PMID: 27666373). To our knowledge, functional studies have not been reported for this variant. This variant has not been reported in individuals affected with DSC2-related disorders in the literature. This variant has been identified in 2/251350 chromosomes in the general population by the Genome Aggregation Database (gnomAD). The available evidence is insufficient to determine the role of this variant in disease conclusively. Therefore, this variant is classified as a Variant of Uncertain Significance.

All of Us Research Program, National Institutes of Health
Classification: Uncertain significance for Familial isolated arrhythmogenic right ventricular dysplasia. Last evaluated: 2023-11-10. Review status: criteria provided, single submitter. Criteria: ACMG Guidelines, 2015. Collection method: clinical testing. Allele origin: germline. Inheritance: Autosomal dominant inheritance. Observed: 1 variant allele, 1 heterozygote.
Comment: This missense variant replaces valine with alanine at codon 49 of the DSC2 protein. Computational prediction suggests that this variant may not impact protein structure and function (internally defined REVEL score threshold <= 0.5, PMID: 27666373). To our knowledge, functional studies have not been reported for this variant. This variant has not been reported in individuals affected with cardiovascular disorders in the literature. This variant has been identified in 2/251350 chromosomes in the general population by the Genome Aggregation Database (gnomAD). The available evidence is insufficient to determine the role of this variant in disease conclusively. Therefore, this variant is classified as a Variant of Uncertain Significance.

This study involves interpretation of variants in research participants for the purpose of population health screening. Participant phenotype was not available at the time of variant classification. Additional details can be found in publication PMID: 35346344, PMCID: PMC8962531